The following is an entry in ClinVar:

ClinVar aggregate classification (germline): Conflicting classifications of pathogenicity. Review status: criteria provided, conflicting classifications (1 of 4 stars). 2 submissions from 2 submitters: Likely pathogenic (1); Uncertain significance (1). Last evaluated 2024-11-14.

Conditions:
Seizures, benign familial neonatal, 1. Also called: KCNQ2-Related Benign Familial Neonatal Epilepsy; KCNQ2-Related Self-Limited Familial Neonatal Epilepsy (SLFNE); Benign Neonatal Epilepsy 1; Seizures, benign neonatal, 1. Identifiers: Orphanet 1949, MedGen C3149074, MONDO:0007365, OMIM 121200.
Developmental and epileptic encephalopathy, 7 (DEE7). Also called: KCNQ2-Related Neonatal Epileptic Encephalopathy; KCNQ2-Related Neonatal-Onset Developmental and Epileptic Encephalopathy (NEO-DEE); Early infantile epileptic encephalopathy 7. Identifiers: Orphanet 439218, MedGen C3150986, MONDO:0013387, OMIM 613720.

Submissions (2):

ARUP Laboratories, Molecular Genetics and Genomics, ARUP Laboratories
Classification: Uncertain significance. Last evaluated: 2024-11-14. Review status: criteria provided, single submitter. Criteria: ARUP Molecular Germline Variant Investigation Process 2024. Collection method: clinical testing. Allele origin: germline.
Comment: The KCNQ2 c.1663T>A; p.Phe555Ile variant (rs2145542277, ClinVar Variation ID 1326319) is reported in the literature as a de novo variant in an individual with seizures (Xiao 2022). This variant is absent from the Genome Aggregation Database (v2.1.1), indicating it is not a common polymorphism. Additionally, another variant at this codon (c.1665C>G, p.Phe555Leu) has also been reported as a de novo variant in an individual with focal tonic seizures (Malerba 2020). Computational analyses predict that Phe555Ile variant is deleterious (REVEL: 0.974). Due to limited information, the clinical significance of this variant is uncertain at this time. References: Malerba F et al. Genotype-phenotype correlations in patients with de novo KCNQ2 pathogenic variants. Neurol Genet. 2020 Dec. PMID: 33659638. Xiao T et al. Clinical Study of 30 Novel KCNQ2 Variants/Deletions in KCNQ2-Related Disorders. Front Mol Neurosci. 2022 PMID: 35557555.

Center for Molecular Medicine, Children’s Hospital of Fudan University
Classification: Likely pathogenic for Seizures, benign familial neonatal, 1; Developmental and epileptic encephalopathy, 7. Last evaluated: 2021-11-01. Review status: criteria provided, single submitter. Criteria: ACMG Guidelines, 2015. Collection method: clinical testing. Allele origin: de novo. Affected: yes.

NM_172107.4(KCNQ2):c.1663T>A (p.Phe555Ile)

Gene: KCNQ2 (potassium voltage-gated channel subfamily Q member 2; minus strand). Cytogenetic location: 20q13.33.
Variant type: single nucleotide variant.
Coding change: c.1663T>A on transcript NM_172107.4 (MANE Select); coding-DNA position 1663, T replaced by A.
Protein change: p.Phe555Ile; replaces phenylalanine 555 with isoleucine.
Molecular consequence: missense variant.
Genome position (GRCh38, 1-based): chr20:63,413,550, A>T on the plus strand (T>A on the coding strand, the complement: KCNQ2 is on the minus strand). VCF-style: chr20-63413550-A-T. GRCh37 (hg19) VCF-style: chr20-62044903-A-T.
Other names: c.1609T>A, p.Phe537Ile (NM_001382235.1, NM_172106.3); c.1579T>A, p.Phe527Ile (NM_004518.6); c.1570T>A, p.Phe524Ile (NM_172108.5); short protein forms F524I, F527I, F537I, F555I.
Identifiers: ClinVar variation 1326319 (VCV001326319.5), dbSNP rs2145542277, ClinGen allele CA409643954.